The following is an entry in ClinVar:

NM_001018115.3(FANCD2):c.1143C>T (p.Asp381=)

Genes: FANCD2 (FA complementation group D2; plus strand), LOC107303338 (3p25 FANCD2 Alu-mediated recombination region; plus strand). Cytogenetic location: 3p25.3.
Variant type: single nucleotide variant.
Coding change: c.1143C>T on transcript NM_001018115.3 (MANE Select); coding-DNA position 1143, C replaced by T.
Protein change: p.Asp381=; no amino-acid change (aspartic acid 381 retained).
Molecular consequence: synonymous variant.
Genome position (GRCh38, 1-based): chr3:10,046,588, C>T. VCF-style: chr3-10046588-C-T. GRCh37 (hg19) VCF-style: chr3-10088272-C-T.
Other names: c.1143C>T (NM_001018115.2); c.1143C>T, p.Asp381= (NM_001319984.2, NM_001374253.1, NM_001374254.1 and 1 more transcripts).
Identifiers: ClinVar variation 695992 (VCV000695992.56), dbSNP rs376349741, ClinGen allele CA2249533.

ClinVar aggregate classification (germline): Likely benign. Review status: criteria provided, multiple submitters, no conflicts (2 of 4 stars). 7 submissions from 7 submitters: Likely benign (6). 1 of the submissions does not count toward it. Last evaluated 2025-08-01.

Conditions:
FANCD2-related disorder. Also called: FANCD2-related condition.
Fanconi anemia complementation group D2. Also called: FANCD2-Related Fanconi Anemia; FANCONI PANCYTOPENIA, TYPE 4; FANCONI ANEMIA, COMPLEMENTATION GROUP D. Identifiers: Orphanet 84, MedGen C3160738, MONDO:0009214, OMIM 227646.
Fanconi anemia complementation group A (FANCA). Also called: Fanconi anemia, group A; FANCA-Related Fanconi Anemia. Identifiers: Orphanet 84, MedGen C3469521, MONDO:0009215, OMIM 227650.
Fanconi anemia (FA). Also called: Fanconi's anemia. Identifiers: Orphanet 84, MedGen C0015625, MeSH D005199, MONDO:0019391.

Allele frequency attached by ClinVar (database versions not stated): 1000 Genomes Project 30x 0.00016; 1000 Genomes Project 0.00020; gnomAD 0.00023 and 0.00025; ESP Exome Variant Server 0.00031.
gnomAD v4.1: 246 of 1,614,154 alleles (0.015%); highest among the groups gnomAD compares: Middle Eastern, 0.12%; no homozygotes.

Submissions (7):

CeGaT Center for Human Genetics Tuebingen
Classification: Likely benign. Last evaluated: 2025-08-01. Review status: criteria provided, single submitter. Criteria: CeGaT Center For Human Genetics Tuebingen Variant Classification Criteria Version 2. Collection method: clinical testing. Allele origin: germline. Affected: yes. Observed: 2 variant alleles.
Comment: FANCD2: BP4, BP7

Labcorp Genetics (formerly Invitae), Labcorp
Classification: Likely benign for Fanconi anemia. Last evaluated: 2025-07-30. Review status: criteria provided, single submitter. Criteria: Invitae Variant Classification Sherloc (09022015). Collection method: clinical testing. Allele origin: germline.

Blueprint Genetics
Classification: Likely benign. Last evaluated: 2024-11-11. Review status: criteria provided, single submitter. Criteria: ACMG Guidelines, 2015. Collection method: clinical testing. Allele origin: germline.

Fulgent Genetics
Classification: Likely benign for Fanconi anemia complementation group D2. Last evaluated: 2022-03-23. Review status: criteria provided, single submitter. Criteria: ACMG Guidelines, 2015. Collection method: clinical testing. Allele origin: unknown.

Genetic Services Laboratory, University of Chicago
Classification: Likely benign. Last evaluated: 2020-09-30. Review status: criteria provided, single submitter. Criteria: ACMG Guidelines, 2015. Collection method: clinical testing. Allele origin: germline. Affected: no.

Mendelics
Classification: Likely benign for Fanconi anemia complementation group A. Last evaluated: 2019-05-28. Review status: criteria provided, single submitter. Criteria: Mendelics Assertion Criteria 2017. Collection method: clinical testing. Allele origin: unknown.

PreventionGenetics, part of Exact Sciences
Classification: Likely benign for FANCD2-related condition. Last evaluated: 2019-04-16. Review status: no assertion criteria provided. Collection method: clinical testing. Allele origin: germline. Not counted in ClinVar's aggregate classification.
Comment: This variant is classified as likely benign based on ACMG/AMP sequence variant interpretation guidelines (Richards et al. 2015 PMID: 25741868, with internal and published modifications).